The following is an entry in ClinVar:

NM_152383.5(DIS3L2):c.915T>C (p.Ile305=)

Gene: DIS3L2 (DIS3 like 3'-5' exoribonuclease 2; plus strand). Cytogenetic location: 2q37.1.
Variant type: single nucleotide variant.
Coding change: c.915T>C on transcript NM_152383.5 (MANE Select); coding-DNA position 915, T replaced by C.
Protein change: p.Ile305=; no amino-acid change (isoleucine 305 retained).
Molecular consequence: synonymous variant. On other transcripts: non-coding transcript variant (1).
Genome position (GRCh38, 1-based): chr2:232,136,684, T>C. VCF-style: chr2-232136684-T-C. GRCh37 (hg19) VCF-style: chr2-233001394-T-C.
Other names: c.915T>C, p.Ile305= (NM_001257281.2).
Identifiers: ClinVar variation 4085703 (VCV004085703.8).

ClinVar aggregate classification (germline): Likely benign (1 of 4 stars; one submission).

Submission:

CeGaT Center for Human Genetics Tuebingen
Classification: Likely benign. Last evaluated: 2025-08-01. Review status: criteria provided, single submitter. Criteria: CeGaT Center For Human Genetics Tuebingen Variant Classification Criteria Version 2. Collection method: clinical testing. Allele origin: germline. Affected: yes. Observed: 1 variant allele.
Comment: DIS3L2: PM2:Supporting, BP4, BP7